The following is an entry in ClinVar:

NM_130837.3(OPA1):c.1734dup (p.Gln579fs)

Gene: OPA1 (OPA1 mitochondrial dynamin like GTPase; plus strand). Cytogenetic location: 3q29.
Variant type: Duplication.
Coding change: c.1734dup on transcript NM_130837.3 (MANE Select); coding-DNA position 1734, one base duplicated (T; older notation c.1734dupT).
Protein change: p.Gln579fs; shifts the reading frame from glutamine 579.
Molecular consequence: frameshift variant.
Genome position (GRCh38, 1-based): chr3:193,645,780, T duplicated; the last of 6 consecutive T bases (chr3:193,645,775-193,645,780); duplicating any one gives the same sequence. VCF-style (leftmost placement, unchanged base first): chr3-193645774-G-GT. GRCh37 (hg19) VCF-style: chr3-193363563-G-GT.
Other names: c.1200dup, p.Gln401fs (NM_001354663.2); c.1197dup, p.Gln400fs (NM_001354664.2); c.1569dup, p.Gln524fs (NM_015560.3); c.1461dup, p.Gln488fs (NM_130831.3); c.1515dup, p.Gln506fs (NM_130832.3); c.1572dup, p.Gln525fs (NM_130833.3); c.1623dup, p.Gln542fs (NM_130834.3); c.1626dup, p.Gln543fs (NM_130835.3); and 2 more; short protein forms Q400fs, Q401fs, Q488fs, Q506fs, Q524fs, Q525fs, Q542fs, Q543fs.
Identifiers: ClinVar variation 975946 (VCV000975946.4), dbSNP rs1560377736, ClinGen allele CA1139655853.
Genomic context (GRCh38, chr3:193,645,774, plus strand): 5'-TCATTCTTCCCCAGGGAACAGCTCTGAAAGCATTGAAGCTATAAGAGAATATGAAGAAGA[G>GT]TTTTTTCAGAATTCAAAGCTCCTAAAGTAGGTATCTTGTTAAAACATTTAAACATTTTAC-3'

ClinVar aggregate classification (germline): Pathogenic. Review status: criteria provided, multiple submitters, no conflicts (2 of 4 stars). 4 submissions from 4 submitters: Pathogenic (4). Last evaluated 2024-10-10.

Conditions:
Autosomal dominant optic atrophy classic form (OPA1). Also called: Optic Atrophy Type 1; KJER-TYPE OPTIC ATROPHY; OPTIC ATROPHY, JUVENILE. Identifiers: Orphanet 98673, MedGen C0338508, MONDO:0008134, OMIM 165500.
Inborn genetic diseases. Identifiers: MedGen C0950123, MeSH D030342.

Submissions (4):

Ambry Genetics
Classification: Pathogenic for Inborn genetic diseases. Last evaluated: 2024-10-10. Review status: criteria provided, single submitter. Criteria: Ambry Variant Classification Scheme 2023. Collection method: clinical testing. Allele origin: germline.
Comment: The c.1569dupT (p.Q524Sfs*38) alteration, located in exon 16 (coding exon 16) of the OPA1 gene, consists of a duplication of T at position 1569, causing a translational frameshift with a predicted alternate stop codon after 38 amino acids. This alteration is expected to result in loss of function by premature protein truncation or nonsense-mediated mRNA decay; however, loss-of-function of OPA1 has not been established as a mechanism of disease for OPA1-related optic atrophy plus syndrome. for autosomal dominant OPA1-related optic atrophy and autosomal recessive Behr syndrome; however, its clinical significance for autosomal dominant OPA1-related optic atrophy plus syndrome is uncertain. This variant was not reported in population-based cohorts in the Genome Aggregation Database (gnomAD). Based on the available evidence, this alteration is classified as pathogenic.

Institute of Medical Genetics and Applied Genomics, University Hospital Tübingen
Classification: Pathogenic for Autosomal dominant optic atrophy classic form. Last evaluated: 2023-07-11. Review status: criteria provided, single submitter. Criteria: ACMG Guidelines, 2015. Collection method: clinical testing. Allele origin: germline. Inheritance: Autosomal dominant inheritance. Affected: yes.

Institute of Human Genetics Munich, TUM University Hospital
Classification: Pathogenic for Autosomal dominant optic atrophy classic form. Last evaluated: 2021-05-19. Review status: criteria provided, single submitter. Criteria: Classification criteria August 2017. Collection method: clinical testing. Allele origin: germline. Inheritance: Autosomal dominant inheritance. Affected: yes. Observed: 1 variant allele.

Institute of Human Genetics, University of Leipzig Medical Center
Classification: Pathogenic for Autosomal dominant optic atrophy classic form. Last evaluated: 2017-04-25. Review status: criteria provided, single submitter. Criteria: ACMG Guidelines, 2015. Collection method: clinical testing. Allele origin: germline. Affected: yes. Observed: 1 variant allele.